The following is an entry in ClinVar:

ClinVar aggregate classification (germline): Likely pathogenic. Review status: criteria provided, multiple submitters, no conflicts (2 of 4 stars). 2 submissions from 2 submitters: Likely pathogenic (2). Last evaluated 2024-05-15.

Conditions:
Methylmalonic acidemia due to methylmalonyl-CoA epimerase deficiency. Also called: METHYLMALONYL-CoA RACEMASE DEFICIENCY; METHYLMALONIC ACIDURIA III; Methylmalonyl-CoA Epimerase Deficiency. Identifiers: Orphanet 308425, MedGen C1855100, MONDO:0009615, OMIM 251120.

gnomAD v4.1: 2 of 1,609,314 alleles (0.00012%); highest among the groups gnomAD compares: East Asian, 0.0022%; no homozygotes.

Submissions (2):

Fulgent Genetics
Classification: Likely pathogenic for Methylmalonic acidemia due to methylmalonyl-CoA epimerase deficiency. Last evaluated: 2024-05-15. Review status: criteria provided, single submitter. Criteria: ACMG Guidelines, 2015. Collection method: clinical testing. Allele origin: germline.

Juno Genomics, Hangzhou Juno Genomics, Inc
Classification: Likely pathogenic for Methylmalonic acidemia due to methylmalonyl-CoA epimerase deficiency. Review status: criteria provided, single submitter. Criteria: ACMG Guidelines, 2015. Collection method: clinical testing. Allele origin: germline.
Comment: Absent from controls (or at extremely low frequency if recessive) in Genome Aggregation Database.;Null variant in a gene where loss of function (LOF) is a known mechanism of disease.

NM_032601.4(MCEE):c.40+1G>A

Gene: MCEE (methylmalonyl-CoA epimerase; minus strand). Cytogenetic location: 2p13.3.
Variant type: single nucleotide variant.
Coding change: c.40+1G>A on transcript NM_032601.4 (MANE Select); the canonical splice donor site of the intron after coding-DNA position 40, G replaced by A.
Molecular consequence: splice donor variant.
Genome position (GRCh38, 1-based): chr2:71,130,179, C>T on the plus strand (G>A on the coding strand, the complement: MCEE is on the minus strand). VCF-style: chr2-71130179-C-T. GRCh37 (hg19) VCF-style: chr2-71357309-C-T.
Identifiers: ClinVar variation 3586905 (VCV003586905.3).
Genomic context (GRCh38, chr2:71,130,179, plus strand): 5'-CCCGACCGCCGTTCCCACGCTCCCTGTCCCATGGCGAAGGTCGCCGGTGCCCGGTATTCA[C>T]CTACGGCATTCGCGGCTGCAGCCTTCAGCACCCGCGCCATTTTGGAAAGCAACCCGCCAC-3'